The following is an entry in ClinVar:

NM_001005242.3(PKP2):c.1658A>C (p.Tyr553Ser)

Gene: PKP2 (plakophilin 2; minus strand). Cytogenetic location: 12p11.21.
Variant type: single nucleotide variant.
Coding change: c.1658A>C on transcript NM_001005242.3 (MANE Select); coding-DNA position 1658, A replaced by C.
Protein change: p.Tyr553Ser; replaces tyrosine 553 with serine.
Molecular consequence: missense variant.
Genome position (GRCh38, 1-based): chr12:32,824,061, T>G on the plus strand (A>C on the coding strand, the complement: PKP2 is on the minus strand). VCF-style: chr12-32824061-T-G. GRCh37 (hg19) VCF-style: chr12-32976995-T-G.
Other names: c.1790A>C, p.Tyr597Ser (NM_004572.4); short protein forms Y553S, Y597S.
Identifiers: ClinVar variation 1172330 (VCV001172330.3), dbSNP rs1956408680, ClinGen allele CA384364539.

ClinVar aggregate classification (germline): Uncertain significance (1 of 4 stars; one submission).

Conditions:
Cardiomyopathy (CMYO). Also called: Cardiomyopathies. Identifiers: Orphanet 167848, MedGen C0878544, MONDO:0004994, HP:0001638. Inheritance: Various modes of inheritance.

Submission:

Color Diagnostics, LLC DBA Color Health
Classification: Uncertain significance for Cardiomyopathy. Last evaluated: 2024-03-06. Review status: criteria provided, single submitter. Criteria: ACMG Guidelines, 2015. Collection method: clinical testing. Allele origin: germline.
Comment: This missense variant replaces tyrosine with serine at codon 597 of the PKP2 protein. Computational prediction suggests that this variant may not impact protein structure and function (internally defined REVEL score threshold <= 0.5, PMID: 27666373). To our knowledge, functional studies have not been reported for this variant. This variant has not been reported in individuals affected with cardiovascular disorders in the literature. This variant has not been identified in the general population by the Genome Aggregation Database (gnomAD). The available evidence is insufficient to determine the role of this variant in disease conclusively. Therefore, this variant is classified as a Variant of Uncertain Significance.